The following is an entry in ClinVar:

ClinVar aggregate classification (germline): Uncertain significance (1 of 4 stars; one submission).

gnomAD v4.1: 13 of 1,614,096 alleles (0.00081%); highest among the groups gnomAD compares: Non-Finnish European, 0.001%; no homozygotes.

Submission:

GeneDx
Classification: Uncertain significance. Last evaluated: 2026-03-31. Review status: criteria provided, single submitter. Criteria: GeneDx Variant Classification Process June 2021. Collection method: clinical testing. Allele origin: germline.
Comment: Not observed at significant frequency in large population cohorts (gnomAD); In silico analysis supports that this missense variant has a deleterious effect on protein structure/function; Has not been previously published as pathogenic or benign to our knowledge

NM_003793.4(CTSF):c.358C>G (p.Leu120Val)

Gene: CTSF (cathepsin F; minus strand). Cytogenetic location: 11q13.2.
Variant type: single nucleotide variant.
Coding change: c.358C>G on transcript NM_003793.4 (MANE Select); coding-DNA position 358, C replaced by G.
Protein change: p.Leu120Val; replaces leucine 120 with valine.
Molecular consequence: missense variant.
Genome position (GRCh38, 1-based): chr11:66,567,617, G>C on the plus strand (C>G on the coding strand, the complement: CTSF is on the minus strand). VCF-style: chr11-66567617-G-C. GRCh37 (hg19) VCF-style: chr11-66335088-G-C.
Other names: short protein forms L120V.
Identifiers: ClinVar variation 5017283 (VCV005017283.1).